The following is an entry in ClinVar:

NM_003764.4(STX11):c.558G>T (p.Trp186Cys)

Gene: STX11 (syntaxin 11; plus strand). Cytogenetic location: 6q24.2.
Variant type: single nucleotide variant.
Coding change: c.558G>T on transcript NM_003764.4 (MANE Select); coding-DNA position 558, G replaced by T.
Protein change: p.Trp186Cys; replaces tryptophan 186 with cysteine.
Molecular consequence: missense variant.
Genome position (GRCh38, 1-based): chr6:144,187,185, G>T. VCF-style: chr6-144187185-G-T. GRCh37 (hg19) VCF-style: chr6-144508322-G-T.
Other names: short protein forms W186C.
Identifiers: ClinVar variation 1462346 (VCV001462346.3), dbSNP rs201639250, ClinGen allele CA4031728.
Genomic context (GRCh38, chr6:144,187,185, plus strand): 5'-GATCATGGGCAAGGAAGTCTCGGGCGACCAGATCGAGGACATGTTCGAGCAGGGTAAGTG[G>T]GACGTGTTTTCCGAGAACTTGCTGGCCGACGTGAAGGGCGCGCGGGCCGCCCTCAACGAG-3'
Protein context (NP_003755.2, residues 176-196): QIEDMFEQGK[Trp186Cys]DVFSENLLAD

ClinVar aggregate classification (germline): Uncertain significance (1 of 4 stars; one submission).

Conditions:
Familial hemophagocytic lymphohistiocytosis 4 (FHL4). Also called: STX11-Related Familial Hemophagocytic Lymphohistiocytosis (STX11-fHLH). Identifiers: Orphanet 540, MedGen C1863728, MONDO:0011336, OMIM 603552.

Allele frequency attached by ClinVar (database versions not stated): gnomAD exomes below 0.00001; ExAC 0.00001; 1000 Genomes Project 30x 0.00016; 1000 Genomes Project 0.00020.
gnomAD v4.1: 1 of 1,613,960 alleles (0.000062%); highest among the groups gnomAD compares: African/African-American, 0.0013%; no homozygotes.

Submission:

Labcorp Genetics (formerly Invitae), Labcorp
Classification: Uncertain significance for Familial hemophagocytic lymphohistiocytosis 4. Last evaluated: 2022-11-01. Review status: criteria provided, single submitter. Criteria: Invitae Variant Classification Sherloc (09022015). Collection method: clinical testing. Allele origin: germline.
Comment: This sequence change replaces tryptophan, which is neutral and slightly polar, with cysteine, which is neutral and slightly polar, at codon 186 of the STX11 protein (p.Trp186Cys). This variant is present in population databases (rs201639250, gnomAD 0.004%). This variant has not been reported in the literature in individuals affected with STX11-related conditions. ClinVar contains an entry for this variant (Variation ID: 1462346). Advanced modeling of protein sequence and biophysical properties (such as structural, functional, and spatial information, amino acid conservation, physicochemical variation, residue mobility, and thermodynamic stability) has been performed at Invitae for this missense variant, however the output from this modeling did not meet the statistical confidence thresholds required to predict the impact of this variant on STX11 protein function. In summary, the available evidence is currently insufficient to determine the role of this variant in disease. Therefore, it has been classified as a Variant of Uncertain Significance.